The following is an entry in ClinVar:

NM_000363.5(TNNI3):c.509G>A (p.Arg170Gln)

Gene: TNNI3 (troponin I3, cardiac type; minus strand). Cytogenetic location: 19q13.42.
Variant type: single nucleotide variant.
Coding change: c.509G>A on transcript NM_000363.5 (MANE Select); coding-DNA position 509, G replaced by A.
Protein change: p.Arg170Gln; replaces arginine 170 with glutamine.
Molecular consequence: missense variant.
Genome position (GRCh38, 1-based): chr19:55,154,070, C>T on the plus strand (G>A on the coding strand, the complement: TNNI3 is on the minus strand). VCF-style: chr19-55154070-C-T. GRCh37 (hg19) VCF-style: chr19-55665438-C-T.
Other names: p.R170Q:CGG>CAG; short protein forms R170Q.
Identifiers: ClinVar variation 165516 (VCV000165516.25), dbSNP rs727503503, ClinGen allele CA021784.

ClinVar aggregate classification (germline): Pathogenic/Likely pathogenic. Review status: criteria provided, multiple submitters, no conflicts (2 of 4 stars). 7 submissions from 7 submitters: Pathogenic (5); Likely pathogenic (2). Last evaluated 2025-11-21.

Conditions:
Cardiovascular phenotype. Identifiers: MedGen CN230736.
Restrictive cardiomyopathy. Identifiers: Orphanet 217632, MedGen C0007196, MeSH D002313, MONDO:0005201, HP:0001723.
Hypertrophic cardiomyopathy. Also called: HYPERTROPHIC MYOCARDIOPATHY. Identifiers: Orphanet 217569, MedGen C0007194, MeSH D002312, MONDO:0005045, HP:0001639.
Hypertrophic cardiomyopathy 7. Also called: TNNI3-Related Familial Hypertrophic Cardiomyopathy; Familial hypertrophic cardiomyopathy 7; CARDIOMYOPATHY, FAMILIAL HYPERTROPHIC, 7, MODIFIER OF. Identifiers: MedGen C1860752, MONDO:0013369, OMIM 613690.

Submissions (7):

Labcorp Genetics (formerly Invitae), Labcorp
Classification: Pathogenic for Hypertrophic cardiomyopathy. Last evaluated: 2025-11-21. Review status: criteria provided, single submitter. Criteria: Invitae Variant Classification Sherloc (09022015). Collection method: clinical testing. Allele origin: germline.
Comment: This sequence change replaces arginine, which is basic and polar, with glutamine, which is neutral and polar, at codon 170 of the TNNI3 protein (p.Arg170Gln). This variant is not present in population databases (gnomAD no frequency). This missense change has been observed in individual(s) with autosomal dominant hypertrophic cardiomyopathy (PMID: 20031618, 25940119, 27532257). In at least one individual the variant was observed to be de novo. ClinVar contains an entry for this variant (Variation ID: 165516). An algorithm developed to predict the effect of missense changes on protein structure and function (PolyPhen-2) suggests that this variant is likely to be disruptive. For these reasons, this variant has been classified as Pathogenic.

3billion
Classification: Pathogenic for Hypertrophic cardiomyopathy 7. Last evaluated: 2025-10-23. Review status: criteria provided, single submitter. Criteria: ACMG Guidelines, 2015. Collection method: clinical testing. Allele origin: germline. Affected: yes.
Comment: The variant is not observed in the gnomAD v4.1.0 dataset. Predicted Consequence/Location: Missense variant In silico tool predictions suggest damaging effect of the variant on gene or gene product [REVEL: 0.88 (>=0.6, sensitivity 0.68 and specificity 0.92); 3Cnet: 0.99 (> 0.75, sensitivity 0.96 and precision 0.92)]. The same nucleotide change resulting in the same amino acid change has been previously reported as pathogenic/likely pathogenic with strong evidence (ClinVar ID: VCV000165516 /PMID: 20031618). The variant has been previously reported as assumed (i.e. paternity and maternity not confirmed) de novo in at least one similarly affected unrelated individual (PMID: 25940119). Different missense changes at the same codon (p.Arg170Gly, p.Arg170Pro, p.Arg170Trp) have been reported as pathogenic/likely pathogenic with strong evidence (ClinVar ID: VCV000165517, VCV000179285, VCV001994254 /PMID: 25326637, 31912959). Therefore, this variant is classified as Pathogenic according to the recommendation of ACMG/AMP guideline.

Revvity Omics, Revvity
Classification: Pathogenic. Last evaluated: 2023-08-08. Review status: criteria provided, single submitter. Criteria: ACMG Guidelines, 2015. Collection method: clinical testing. Allele origin: germline.

Ambry Genetics
Classification: Likely pathogenic for Cardiovascular phenotype. Last evaluated: 2023-07-06. Review status: criteria provided, single submitter. Criteria: Ambry Variant Classification Scheme 2023. Collection method: clinical testing. Allele origin: germline.
Comment: The p.R170Q variant (also known as c.509G>A), located in coding exon 7 of the TNNI3 gene, results from a G to A substitution at nucleotide position 509. The arginine at codon 170 is replaced by glutamine, an amino acid with highly similar properties. This alteration has been reported in multiple individuals with hypertrophic cardiomyopathy (HCM) and restrictive cardiomyopathy (RCM), including a de novo occurrence in an individual with RCM (Kaski JP et al. Circ Cardiovasc Genet, 2009 Oct;2:436-41; Mouton JM et al. Cardiovasc J Afr, 2015;26:63-9; Ross SB et al. Circ Cardiovasc Genet, 2017 Jun;10:[ePub ahead of print]; Walsh R et al. Genet Med, 2017 Feb;19:192-203; Marschall C et al. Cardiovasc Diagn Ther, 2019 Oct;9:S292-S298; Marey I et al. Open Med (Wars), 2020 May;15:435-446; Stava TT et al. Eur J Prev Cardiol, 2022 Oct;29:1789-1799). This variant is considered to be rare based on population cohorts in the Genome Aggregation Database (gnomAD). This amino acid position is highly conserved in available vertebrate species. In addition, this alteration is predicted to be deleterious by in silico analysis. Based on the supporting evidence, this variant is expected to be causative of autosomal dominant TNNI3-related cardiomyopathy; however, its clinical significance for autosomal recessive TNNI3-related dilated cardiomyopathy is unclear.

GeneDx
Classification: Pathogenic. Last evaluated: 2021-09-02. Review status: criteria provided, single submitter. Criteria: GeneDx Variant Classification Process June 2021. Collection method: clinical testing. Allele origin: germline. Affected: yes.
Comment: Not observed in large population cohorts (Lek et al., 2016); Reported as pathogenic in ClinVar (ClinVar Variant ID #165516; Landrum et al., 2016); In silico analysis supports that this missense variant has a deleterious effect on protein structure/function; This variant is associated with the following publications: (PMID: 27532257, 28031081, 20031618, 31737537, 33336002, 32420109, 25940119)

Laboratory for Molecular Medicine, Mass General Brigham Personalized Medicine
Classification: Pathogenic for Hypertrophic cardiomyopathy; Restrictive cardiomyopathy. Last evaluated: 2015-03-04. Review status: criteria provided, single submitter. Criteria: LMM Criteria. Collection method: clinical testing. Allele origin: germline. Observed: 9 variant alleles.
Comment: The p.Arg170Gln variant in TNNI3 has been reported in 1 child with HCM (Kaski 20 09) and was identified by our laboratory in 6 individuals with early onset RCM, including 3 de novo occurrences (LMM unpublished data). This variant was absent from large population studies. Of note, RCM is thought to represent a rare prese ntation of the clinical spectrum of HCM and has so far been associated with vari ants in the MYH7 and TNNI3 genes (Kubo 2007). In summary, this variant meets ou r criteria to be classified as pathogenic for RCM in an autosomal dominant manne r based on multiple de novo occurrences in individuals with RCM.

Stanford Center for Inherited Cardiovascular Disease, Stanford University
Classification: Likely pathogenic. Last evaluated: 2013-10-16. Review status: criteria provided, single submitter. Criteria: ACMG Guidelines, 2015. Collection method: provider interpretation. Allele origin: germline.

Literature cited by the submitters: PubMed 20031618 (cited by 4 submitters); PubMed 25940119 (cited by 3 submitters); PubMed 27532257 (cited by Labcorp Genetics (formerly Invitae), Labcorp and Ambry Genetics); PubMed 25326637 (cited by 3billion); PubMed 28615295 (cited by Ambry Genetics); PubMed 31737537 (cited by Ambry Genetics); PubMed 33336002 (cited by Ambry Genetics); PubMed 35653365 (cited by Ambry Genetics); PubMed 17599605 (cited by Laboratory for Molecular Medicine, Mass General Brigham Personalized Medicine).